The following is an entry in ClinVar:

ClinVar aggregate classification (germline): Likely pathogenic (1 of 4 stars; one submission).

Conditions:
Hereditary hemorrhagic telangiectasia (HHT). Also called: ORW DISEASE; Osler Weber Rendu syndrome; OSLER-RENDU-WEBER DISEASE; Osler hemorrhagic telangiectasia syndrome. Identifiers: Orphanet 774, MedGen C0039445, MONDO:0019180. Disease mechanism: loss of function.

Submission:

Labcorp Genetics (formerly Invitae), Labcorp
Classification: Likely pathogenic for Hereditary hemorrhagic telangiectasia. Last evaluated: 2020-02-27. Review status: criteria provided, single submitter. Criteria: Invitae Variant Classification Sherloc (09022015). Collection method: clinical testing. Allele origin: germline.
Comment: In summary, the currently available evidence indicates that the variant is pathogenic, but additional data are needed to prove that conclusively. Therefore, this variant has been classified as Likely Pathogenic. This variant disrupts the p.Ala308 amino acid residue in ENG. Variant(s) that disrupt this residue have been determined to be pathogenic (PMID: 16752392, 16690726, 22991266, 22022569). This suggests that this residue is clinically significant, and that deletion of this residue is likely to be disease-causing. This variant has not been reported in the literature in individuals with ENG-related conditions. This variant is an in-frame deletion of the genomic region encompassing exon(s) 4-8 of the ENG gene. It preserves the integrity of the reading frame.

NC_000009.12:g.(?_127824294)_(127826683_?)del

Gene: ENG (endoglin; minus strand). Cytogenetic location: 9q34.11.
Variant type: Deletion.
Identifiers: ClinVar variation 832592 (VCV000832592.9).